The following is an entry in ClinVar:

NM_002382.5(MAX):c.230A>G (p.Lys77Arg)

Gene: MAX (MYC associated transcriptional regulator X; minus strand). Cytogenetic location: 14q23.3.
Variant type: single nucleotide variant.
Coding change: c.230A>G on transcript NM_002382.5 (MANE Select); coding-DNA position 230, A replaced by G.
Protein change: p.Lys77Arg; replaces lysine 77 with arginine.
Molecular consequence: missense variant. On other transcripts: 5 prime UTR variant (1), intron variant (2).
Genome position (GRCh38, 1-based): chr14:65,077,978, T>C on the plus strand (A>G on the coding strand, the complement: MAX is on the minus strand). VCF-style: chr14-65077978-T-C. GRCh37 (hg19) VCF-style: chr14-65544696-T-C.
Other names: c.-45A>G (NM_001320415.2, NM_001407105.1, NM_001407106.1 and 1 more transcripts); c.230A>G, p.Lys77Arg (NM_001407094.1, NM_001407096.1, NM_001407097.1 and 3 more transcripts); c.203A>G, p.Lys68Arg (NM_001407095.1, NM_001407099.1, NM_001407100.1 and 6 more transcripts); c.122A>G, p.Lys41Arg (NM_001407098.1); c.-138A>G (NM_001407111.1, NM_001407112.1); c.144+15730A>G (NM_001271069.2); c.171+15730A>G (NM_197957.4); short protein forms K77R, K68R, K41R.
Identifiers: ClinVar variation 2087943 (VCV002087943.4), dbSNP rs2504197648, ClinGen allele CA390035704.
Genomic context (GRCh38, chr14:65,077,978, plus strand): 5'-TGCTCCAGAAGAGCATTCTGCCGCTTGAGGTCGTCAATATCTTGCTGGTGTGTGTGGTTT[T>C]TCCTTCGCATATACTGGATATATTCTGTGGCTTTGTCTAGGATTTGGGCCCGGGATGCCT-3'
Protein context (NP_002373.3, residues 67-87): ATEYIQYMRR[Lys77Arg]NHTHQQDIDD

ClinVar aggregate classification (germline): Uncertain significance (1 of 4 stars; one submission).

Conditions:
Hereditary pheochromocytoma and paraganglioma. Also called: Hereditary paragangliomas and pheochromocytomas; Hereditary Paraganglioma-Pheochromocytoma Syndromes; Hereditary pheochromocytoma-paraganglioma. Identifiers: Orphanet 29072, MedGen C4274332, MONDO:0017366.

Submission:

Labcorp Genetics (formerly Invitae), Labcorp
Classification: Uncertain significance for Hereditary pheochromocytoma and paraganglioma. Last evaluated: 2022-02-18. Review status: criteria provided, single submitter. Criteria: Invitae Variant Classification Sherloc (09022015). Collection method: clinical testing. Allele origin: germline.
Comment: In summary, the available evidence is currently insufficient to determine the role of this variant in disease. Therefore, it has been classified as a Variant of Uncertain Significance. Algorithms developed to predict the effect of missense changes on protein structure and function are either unavailable or do not agree on the potential impact of this missense change (SIFT: "Deleterious"; PolyPhen-2: "Benign"; Align-GVGD: "Class C25"). This variant has not been reported in the literature in individuals affected with MAX-related conditions. This variant is not present in population databases (gnomAD no frequency). This sequence change replaces lysine, which is basic and polar, with arginine, which is basic and polar, at codon 77 of the MAX protein (p.Lys77Arg).